The following is an entry in ClinVar:

NM_022489.4(INF2):c.256G>T (p.Gly86Cys)

Gene: INF2 (inverted formin 2; plus strand). Cytogenetic location: 14q32.33.
Variant type: single nucleotide variant.
Coding change: c.256G>T on transcript NM_022489.4 (MANE Select); coding-DNA position 256, G replaced by T.
Protein change: p.Gly86Cys; replaces glycine 86 with cysteine.
Molecular consequence: missense variant.
Genome position (GRCh38, 1-based): chr14:104,701,621, G>T. VCF-style: chr14-104701621-G-T. GRCh37 (hg19) VCF-style: chr14-105167958-G-T.
Other names: c.256G>T, p.Gly86Cys (NM_001031714.4, NM_032714.3); short protein forms G86C.
Identifiers: ClinVar variation 1793231 (VCV001793231.2), dbSNP rs1437488537, ClinGen allele CA391225652.

ClinVar aggregate classification (germline): Uncertain significance (1 of 4 stars; one submission).

Conditions:
Inborn genetic diseases. Identifiers: MedGen C0950123, MeSH D030342.

Submission:

Ambry Genetics
Classification: Uncertain significance for Inborn genetic diseases. Last evaluated: 2021-06-21. Review status: criteria provided, single submitter. Criteria: Ambry Variant Classification Scheme 2023. Collection method: clinical testing. Allele origin: germline.
Comment: The p.G86C variant (also known as c.256G>T), located in coding exon 1 of the INF2 gene, results from a G to T substitution at nucleotide position 256. The glycine at codon 86 is replaced by cysteine, an amino acid with highly dissimilar properties. This amino acid position is highly conserved in available vertebrate species. In addition, this alteration is predicted to be deleterious by in silico analysis. Since supporting evidence is limited at this time, the clinical significance of this alteration remains unclear.